The following is an entry in ClinVar:

NM_172107.4(KCNQ2):c.1104del (p.Val369fs)

Gene: KCNQ2 (potassium voltage-gated channel subfamily Q member 2; minus strand). Cytogenetic location: 20q13.33.
Variant type: Deletion.
Coding change: c.1104del on transcript NM_172107.4 (MANE Select); coding-DNA position 1104, one base deleted (C; older notation c.1104delC).
Protein change: p.Val369fs; shifts the reading frame from valine 369.
Molecular consequence: frameshift variant.
Genome position (GRCh38, 1-based): chr20:63,433,823, G deleted on the plus strand (C on the coding strand, the reverse complement: KCNQ2 is on the minus strand); the first of 2 consecutive G bases (chr20:63,433,823-63,433,824); deleting either gives the same sequence. VCF-style (leftmost placement, unchanged base first): chr20-63433822-CG-C. GRCh37 (hg19) VCF-style: chr20-62065175-CG-C.
Other names: c.1104del, p.Val369fs (NM_001382235.1, NM_004518.6, NM_172106.3 and 2 more transcripts); short protein forms V369fs.
Identifiers: ClinVar variation 932451 (VCV000932451.39), dbSNP rs2080902419, ClinGen allele CA1139666798.

ClinVar aggregate classification (germline): Pathogenic (1 of 4 stars; one submission).

Submission:

CeGaT Center for Human Genetics Tuebingen
Classification: Pathogenic. Last evaluated: 2022-12-01. Review status: criteria provided, single submitter. Criteria: CeGaT Center For Human Genetics Tuebingen Variant Classification Criteria Version 2. Collection method: clinical testing. Allele origin: germline. Affected: yes. Observed: 3 variant alleles.
Comment: KCNQ2: PVS1, PM2